The following is an entry in ClinVar:

NM_001378454.1(ALMS1):c.3737G>T (p.Gly1246Val)

Gene: ALMS1 (ALMS1 centrosome and basal body associated protein; plus strand). Cytogenetic location: 2p13.1.
Variant type: single nucleotide variant.
Coding change: c.3737G>T on transcript NM_001378454.1 (MANE Select); coding-DNA position 3737, G replaced by T.
Protein change: p.Gly1246Val; replaces glycine 1246 with valine.
Molecular consequence: missense variant.
Genome position (GRCh38, 1-based): chr2:73,450,264, G>T. VCF-style: chr2-73450264-G-T. GRCh37 (hg19) VCF-style: chr2-73677391-G-T.
Other names: c.3740G>T, p.Gly1247Val (NM_015120.4); short protein forms G1246V, G1247V.
Identifiers: ClinVar variation 4888191 (VCV004888191.1).
Genomic context (GRCh38, chr2:73,450,264, plus strand): 5'-ACCAGAAGACTGGGACACCAACTCCAACCTCTGCTTCTTACTCACACACAGAGAAGCCTG[G>T]TATTTTCTACCAACAGGTCTTGCCAGATAATCATCCAACTGAAGAGGCTCTGAAAATTTC-3'
Protein context (NP_001365383.1, residues 1236-1256): SASYSHTEKP[Gly1246Val]IFYQQVLPDN

ClinVar aggregate classification (germline): Uncertain significance (1 of 4 stars; one submission).

Submission:

GeneDx
Classification: Uncertain significance. Last evaluated: 2026-03-06. Review status: criteria provided, single submitter. Criteria: GeneDx Variant Classification Process June 2021. Collection method: clinical testing. Allele origin: germline.
Comment: Not observed at significant frequency in large population cohorts (gnomAD); In silico analysis suggests that this missense variant does not alter protein structure/function; Has not been previously published as pathogenic or benign to our knowledge